The following is an entry in ClinVar:

ClinVar aggregate classification (germline): Likely benign (1 of 4 stars; one submission).

gnomAD v4.1: 32 of 1,496,408 alleles (0.0021%); highest among the groups gnomAD compares: African/African-American, 0.0028%; no homozygotes.

Submission:

CeGaT Center for Human Genetics Tuebingen
Classification: Likely benign. Last evaluated: 2026-02-01. Review status: criteria provided, single submitter. Criteria: CeGaT Center For Human Genetics Tuebingen Variant Classification Criteria Version 2. Collection method: clinical testing. Allele origin: germline. Affected: yes. Observed: 1 variant allele.
Comment: NRXN3: BP4

NM_001330195.2(NRXN3):c.4094-208C>T

Gene: NRXN3 (neurexin 3; plus strand). Cytogenetic location: 14q31.1.
Variant type: single nucleotide variant.
Coding change: c.4094-208C>T on transcript NM_001330195.2 (MANE Select); 208 bases into the intron before coding-DNA position 4094, C replaced by T.
Molecular consequence: intron variant. On other transcripts: missense variant (1), non-coding transcript variant (5).
Genome position (GRCh38, 1-based): chr14:79,861,134, C>T. VCF-style: chr14-79861134-C-T. GRCh37 (hg19) VCF-style: chr14-80327477-C-T.
Other names: c.1084C>T, p.Arg362Cys (NM_001272020.2); c.4106-529C>T (NM_001366426.1); c.4004-208C>T (NM_001366425.1); c.2885-529C>T (NM_004796.6); c.1079-529C>T (NM_001105250.3); c.998-529C>T (NM_138970.5); short protein forms R362C.
Identifiers: ClinVar variation 4821100 (VCV004821100.4).
Genomic context (GRCh38, chr14:79,861,134, plus strand): 5'-CCTTTAGCTACCCCTCCTATTGCTACTCGTGCACCTTCCATTACACTCCCCCCTACCTTT[C>T]GCCCCCTCCTCACCATTATTGAGACCACCAAAGATTCCCTGTCCATGACCTCTGAGGCGG-3'